The following is an entry in ClinVar:

ClinVar aggregate classification (germline): Uncertain significance (1 of 4 stars; one submission).

Conditions:
Familial thoracic aortic aneurysm and aortic dissection (TAAD). Also called: Thoracic aortic aneurysms and dissections. Identifiers: Orphanet 91387, MedGen C4707243, MONDO:0019625.

Submission:

Ambry Genetics
Classification: Uncertain significance for Familial thoracic aortic aneurysm and aortic dissection. Last evaluated: 2023-01-25. Review status: criteria provided, single submitter. Criteria: Ambry Variant Classification Scheme 2023. Collection method: clinical testing. Allele origin: germline.
Comment: The p.E543G variant (also known as c.1628A>G), located in coding exon 5 of the SKI gene, results from an A to G substitution at nucleotide position 1628. The glutamic acid at codon 543 is replaced by glycine, an amino acid with similar properties. This amino acid position is conserved. In addition, the in silico prediction for this alteration is inconclusive. Since supporting evidence is limited at this time, the clinical significance of this alteration remains unclear.

NM_003036.4(SKI):c.1628A>G (p.Glu543Gly)

Gene: SKI (SKI proto-oncogene; plus strand). Cytogenetic location: 1p36.32.
Variant type: single nucleotide variant.
Coding change: c.1628A>G on transcript NM_003036.4 (MANE Select); coding-DNA position 1628, A replaced by G.
Protein change: p.Glu543Gly; replaces glutamic acid 543 with glycine.
Molecular consequence: missense variant.
Genome position (GRCh38, 1-based): chr1:2,304,446, A>G. VCF-style: chr1-2304446-A-G. GRCh37 (hg19) VCF-style: chr1-2235885-A-G.
Other names: short protein forms E543G.
Identifiers: ClinVar variation 2452634 (VCV002452634.2), dbSNP rs1640516096, ClinGen allele CA337957496.